The following is an entry in ClinVar:

ClinVar aggregate classification (germline): Benign (1 of 4 stars; one submission).

Conditions:
Brain small vessel disease 2A, autosomal dominant. Also called: Porencephaly 2. Identifiers: Orphanet 2940, Orphanet 99810, MedGen C3280970, MONDO:0013773, OMIM 614483.

Allele frequency attached by ClinVar (database versions not stated): 1000 Genomes Project 0.01478; 1000 Genomes Project 30x 0.01562; gnomAD 0.01568; TOPMed 0.01621.

Submission:

Illumina Laboratory Services, Illumina
Classification: Benign for Brain small vessel disease 2A, autosomal dominant. Last evaluated: 2018-01-13. Review status: criteria provided, single submitter. Criteria: ICSL Variant Classification Criteria 13 December 2019. Collection method: clinical testing. Allele origin: germline.
Comment: This variant was observed in the ICSL laboratory as part of a predisposition screen in an ostensibly healthy population. It had not been previously curated by ICSL or reported in the Human Gene Mutation Database (HGMD: prior to June 1st, 2018), and was therefore a candidate for classification through an automated scoring system. Utilizing variant allele frequency, disease prevalence and penetrance estimates, and inheritance mode, an automated score was calculated to assess if this variant is too frequent to cause the disease. Based on the score and internal cut-off values, a variant classified as benign is not then subjected to further curation. The score for this variant resulted in a classification of benign for this disease.

NM_001846.4(COL4A2):c.*695T>C

Gene: COL4A2 (collagen type IV alpha 2 chain; plus strand). Cytogenetic location: 13q34.
Variant type: single nucleotide variant.
Coding change: c.*695T>C on transcript NM_001846.4 (MANE Select); 695 bases downstream of the stop codon, T replaced by C.
Molecular consequence: 3 prime UTR variant.
Genome position (GRCh38, 1-based): chr13:110,512,886, T>C. VCF-style: chr13-110512886-T-C. GRCh37 (hg19) VCF-style: chr13-111165233-T-C.
Identifiers: ClinVar variation 311213 (VCV000311213.5), dbSNP rs11555634, ClinGen allele CA10639038.